The following is an entry in ClinVar:

NM_001164508.2(NEB):c.4507-2A>C

Gene: NEB (nebulin; minus strand). Cytogenetic location: 2q23.3.
Variant type: single nucleotide variant.
Coding change: c.4507-2A>C on transcript NM_001164508.2 (MANE Select); the canonical splice acceptor site of the intron before coding-DNA position 4507, A replaced by C.
Molecular consequence: splice acceptor variant.
Genome position (GRCh38, 1-based): chr2:151,669,133, T>G on the plus strand (A>C on the coding strand, the complement: NEB is on the minus strand). VCF-style: chr2-151669133-T-G. GRCh37 (hg19) VCF-style: chr2-152525647-T-G.
Other names: c.4507-2A>C (NM_004543.5, NM_001164507.2, NM_001271208.2).
Identifiers: ClinVar variation 1066689 (VCV001066689.2), dbSNP rs1575668113, ClinGen allele CA348815173.
Genomic context (GRCh38, chr2:151,669,133, plus strand): 5'-AATTCAGGGTCAATAGTATACTTGTGCTTCAGTTTCTCTCCCTCTACCTTGTAGTTCAAC[T>G]AAAAACAAAGGAGACAGCATGCACATATCATTAGCTGACATAATATAAATTTCATCAAGC-3'

ClinVar aggregate classification (germline): Likely pathogenic (1 of 4 stars; one submission).

Conditions:
Nemaline myopathy 2 (NEM2). Also called: Nemaline myopathy 2, autosomal recessive. Identifiers: MedGen C1850569, MONDO:0009725, OMIM 256030.

Submission:

Labcorp Genetics (formerly Invitae), Labcorp
Classification: Likely pathogenic for Nemaline myopathy 2. Last evaluated: 2020-09-07. Review status: criteria provided, single submitter. Criteria: Invitae Variant Classification Sherloc (09022015). Collection method: clinical testing. Allele origin: germline.
Comment: This sequence change affects an acceptor splice site in intron 38 of the NEB gene. It is expected to disrupt RNA splicing and likely results in an absent or disrupted protein product. This variant is not present in population databases (ExAC no frequency). This variant has not been reported in the literature in individuals with NEB-related conditions. Algorithms developed to predict the effect of sequence changes on RNA splicing suggest that this variant may disrupt the consensus splice site, but this prediction has not been confirmed by published transcriptional studies. Donor and acceptor splice site variants typically lead to a loss of protein function (PMID: 16199547), and loss-of-function variants in NEB are known to be pathogenic (PMID: 25205138). In summary, the currently available evidence indicates that the variant is pathogenic, but additional data are needed to prove that conclusively. Therefore, this variant has been classified as Likely Pathogenic.

Literature cited by the submitters: PubMed 16199547; PubMed 25205138.